The following is an entry in ClinVar:

ClinVar aggregate classification (germline): Uncertain significance (1 of 4 stars; one submission).

Conditions:
Hereditary cancer-predisposing syndrome. Also called: Hereditary neoplastic syndrome; Neoplastic Syndromes, Hereditary; Tumor predisposition; Hereditary Cancer Syndrome. Identifiers: Orphanet 140162, MedGen C0027672, MeSH D009386, MONDO:0015356.

Submission:

Ambry Genetics
Classification: Uncertain significance for Hereditary cancer-predisposing syndrome. Last evaluated: 2025-08-27. Review status: criteria provided, single submitter. Criteria: Ambry Variant Classification Scheme 2023. Collection method: clinical testing. Allele origin: germline.
Comment: The p.L77W variant (also known as c.230T>G), located in coding exon 3 of the MUTYH gene, results from a T to G substitution at nucleotide position 230. The leucine at codon 77 is replaced by tryptophan, an amino acid with similar properties. This amino acid position is conserved. In addition, this alteration is predicted to be tolerated by in silico analysis. Based on the available evidence, the clinical significance of this variant remains unclear.

NM_001048174.2(MUTYH):c.146T>G (p.Leu49Trp)

Gene: MUTYH (mutY DNA glycosylase; minus strand). Cytogenetic location: 1p34.1.
Variant type: single nucleotide variant.
Coding change: c.146T>G on transcript NM_001048174.2 (MANE Select); coding-DNA position 146, T replaced by G.
Protein change: p.Leu49Trp; replaces leucine 49 with tryptophan.
Molecular consequence: missense variant. On other transcripts: 5 prime UTR variant (1), non-coding transcript variant (5), intron variant (5).
Genome position (GRCh38, 1-based): chr1:45,333,531, A>C on the plus strand (T>G on the coding strand, the complement: MUTYH is on the minus strand). VCF-style: chr1-45333531-A-C. GRCh37 (hg19) VCF-style: chr1-45799203-A-C.
Other names: c.146T>G, p.Leu49Trp (NM_001048171.2, NM_001048173.2, NM_001293195.2 and 6 more transcripts); c.149T>G, p.Leu50Trp (NM_001048172.2, NM_001407071.1, NM_001407078.1 and 2 more transcripts); c.-126T>G (NM_001350650.2); c.221T>G, p.Leu74Trp (NM_001407069.1, NM_012222.3); c.230T>G, p.Leu77Trp (NM_001128425.2); c.191T>G, p.Leu64Trp (NM_001293190.2); c.179T>G, p.Leu60Trp (NM_001293191.2, NM_001407077.1); c.188T>G, p.Leu63Trp (NM_001407073.1, NM_001407083.1, NM_001407085.1); and 4 more; short protein forms L60W, L74W, L77W, L21W, L49W, L56W, L63W, L50W.
Identifiers: ClinVar variation 4113532 (VCV004113532.1).